The following is an entry in ClinVar:

NM_000535.7(PMS2):c.163+4A>C

Gene: PMS2 (PMS1 homolog 2, mismatch repair system component; minus strand). Cytogenetic location: 7p22.1.
Variant type: single nucleotide variant.
Coding change: c.163+4A>C on transcript NM_000535.7 (MANE Select); 4 bases into the intron after coding-DNA position 163, A replaced by C.
Molecular consequence: intron variant.
Genome position (GRCh38, 1-based): chr7:6,005,888, T>G on the plus strand (A>C on the coding strand, the complement: PMS2 is on the minus strand). VCF-style: chr7-6005888-T-G. GRCh37 (hg19) VCF-style: chr7-6045519-T-G.
Other names: c.-52-1830A>C (NM_001322008.2); c.-242-1830A>C (NM_001322010.2, NM_001322004.2); c.-243+4A>C (NM_001322013.2, NM_001322003.2, NM_001322009.2 and 1 more transcripts); c.-722+4A>C (NM_001322012.2, NM_001322011.2); c.-322+4A>C (NM_001322015.2); c.-53+4A>C (NM_001322007.2); c.163+4A>C (NM_001322006.2, NM_001322014.2).
Identifiers: ClinVar variation 1776813 (VCV001776813.3), dbSNP rs864622749, ClinGen allele CA2580077205.

ClinVar aggregate classification (germline): Uncertain significance (1 of 4 stars; one submission).

Conditions:
Hereditary cancer-predisposing syndrome. Also called: Tumor predisposition; Hereditary Cancer Syndrome; Hereditary neoplastic syndrome; Neoplastic Syndromes, Hereditary. Identifiers: Orphanet 140162, MedGen C0027672, MeSH D009386, MONDO:0015356.

Submission:

Ambry Genetics
Classification: Uncertain significance for Hereditary cancer-predisposing syndrome. Last evaluated: 2026-02-16. Review status: criteria provided, single submitter. Criteria: Ambry Variant Classification Scheme 2023. Collection method: clinical testing. Allele origin: germline.
Comment: The c.163+4A>C intronic variant results from an A to C substitution 4 nucleotides after coding exon 2 in the PMS2 gene. This nucleotide position is highly conserved in available vertebrate species. In silico splice site analysis for this alteration is inconclusive. Based on the available evidence, the clinical significance of this variant remains unclear.